The following is an entry in ClinVar:

ClinVar aggregate classification (germline): Conflicting classifications of pathogenicity. Review status: criteria provided, conflicting classifications (1 of 4 stars). 4 submissions from 4 submitters: Uncertain significance (3); Likely benign (1). Last evaluated 2025-08-11.

Conditions:
Fanconi anemia complementation group J. Also called: BRIP1-Related Fanconi Anemia. Identifiers: Orphanet 84, MedGen C1836860, MONDO:0012187, OMIM 609054.
Familial cancer of breast. Also called: hereditary breast carcinoma; BREAST CANCER, FAMILIAL; Hereditary breast cancer. Identifiers: Orphanet 227535, MedGen C0346153, MONDO:0016419, OMIM 114480. Disease mechanism: loss of function.
Hereditary cancer-predisposing syndrome. Also called: Hereditary neoplastic syndrome; Tumor predisposition; Hereditary Cancer Syndrome; Neoplastic Syndromes, Hereditary. Identifiers: Orphanet 140162, MedGen C0027672, MeSH D009386, MONDO:0015356.

gnomAD v4.1: 2 of 1,614,064 alleles (0.00012%); highest among the groups gnomAD compares: Non-Finnish European, 0.00017%; no homozygotes.

Submissions (4):

Labcorp Genetics (formerly Invitae), Labcorp
Classification: Uncertain significance for Familial cancer of breast; Fanconi anemia complementation group J. Last evaluated: 2025-08-11. Review status: criteria provided, single submitter. Criteria: Invitae Variant Classification Sherloc (09022015). Collection method: clinical testing. Allele origin: germline.
Comment: This sequence change replaces aspartic acid, which is acidic and polar, with glutamic acid, which is acidic and polar, at codon 99 of the BRIP1 protein (p.Asp99Glu). This variant is not present in population databases (gnomAD no frequency). This variant has not been reported in the literature in individuals affected with BRIP1-related conditions. ClinVar contains an entry for this variant (Variation ID: 576358). Invitae Evidence Modeling of protein sequence and biophysical properties (such as structural, functional, and spatial information, amino acid conservation, physicochemical variation, residue mobility, and thermodynamic stability) indicates that this missense variant is not expected to disrupt BRIP1 protein function with a negative predictive value of 95%. In summary, the available evidence is currently insufficient to determine the role of this variant in disease. Therefore, it has been classified as a Variant of Uncertain Significance.

Color Diagnostics, LLC DBA Color Health
Classification: Likely benign for Hereditary cancer-predisposing syndrome. Last evaluated: 2025-04-07. Review status: criteria provided, single submitter. Criteria: ACMG Guidelines, 2015. Collection method: clinical testing. Allele origin: germline.

Ambry Genetics
Classification: Uncertain significance for Hereditary cancer-predisposing syndrome. Last evaluated: 2024-02-04. Review status: criteria provided, single submitter. Criteria: Ambry Variant Classification Scheme 2023. Collection method: clinical testing. Allele origin: germline.
Comment: The p.D99E variant (also known as c.297C>G), located in coding exon 3 of the BRIP1 gene, results from a C to G substitution at nucleotide position 297. The aspartic acid at codon 99 is replaced by glutamic acid, an amino acid with highly similar properties. This amino acid position is well conserved in available vertebrate species. In addition, this alteration is predicted to be tolerated by in silico analysis. Since supporting evidence is limited at this time, the clinical significance of this alteration remains unclear.

Women's Health and Genetics/Laboratory Corporation of America, LabCorp
Classification: Uncertain significance. Last evaluated: 2021-12-02. Review status: criteria provided, single submitter. Criteria: LabCorp Variant Classification Summary - May 2015. Collection method: clinical testing. Allele origin: germline.
Comment: Variant summary: BRIP1 c.297C>G (p.Asp99Glu) results in a conservative amino acid change located in the ATP-binding domain (IPR014001) of the encoded protein sequence. Five of five in-silico tools predict a benign effect of the variant on protein function. The variant was absent in 251454 control chromosomes (gnomAD). However, the variant has been reported in 1/7325 European American women, who are older than age 70 and cancer free (FLOSSIES database). The available data on variant occurrences in the general population are insufficient to allow any conclusion about variant significance. To our knowledge, no occurrence of c.297C>G in individuals affected with Hereditary Breast and Ovarian Cancer Syndrome and no experimental evidence demonstrating its impact on protein function have been reported. One other clinical diagnostic laboratory has submitted clinical-significance assessments for this variant to ClinVar after 2014 and classified the variant as uncertain significance. Based on the evidence outlined above, the variant was classified as uncertain significance.

NM_032043.3(BRIP1):c.297C>G (p.Asp99Glu)

Gene: BRIP1 (BRCA1 interacting DNA helicase 1; minus strand). Cytogenetic location: 17q23.2.
Variant type: single nucleotide variant.
Coding change: c.297C>G on transcript NM_032043.3 (MANE Select); coding-DNA position 297, C replaced by G.
Protein change: p.Asp99Glu; replaces aspartic acid 99 with glutamic acid.
Molecular consequence: missense variant.
Genome position (GRCh38, 1-based): chr17:61,857,140, G>C on the plus strand (C>G on the coding strand, the complement: BRIP1 is on the minus strand). VCF-style: chr17-61857140-G-C. GRCh37 (hg19) VCF-style: chr17-59934501-G-C.
Other names: short protein forms D99E.
Identifiers: ClinVar variation 576358 (VCV000576358.16), dbSNP rs201617644, ClinGen allele CA400485427.
Genomic context (GRCh38, chr17:61,857,140, plus strand): 5'-ATTTCTTTCAGAAGGTGGTGTGCTTGGATAGTTGAAATGACGTGAAGTTCCTTGGTTCAT[G>C]TCATTGTTTGTAAAATCCTTTGAATGGCATGCACAACAACATGACAATTGTACTTCAGCT-3'
Protein context (NP_114432.2, residues 89-109): ACHSKDFTNN[Asp99Glu]MNQGTSRHFN